The following is an entry in ClinVar:

ClinVar aggregate classification (germline): Likely benign (0 of 4 stars; one submission).

Conditions:
KARS1-related disorder. Also called: KARS1-related disorders.

Allele frequency attached by ClinVar (database versions not stated): TOPMed 0.00002; ExAC 0.00003; gnomAD 0.00004; gnomAD exomes 0.00009; 1000 Genomes Project 30x 0.00016; 1000 Genomes Project 0.00020.
gnomAD v4.1: 129 of 1,610,630 alleles (0.008%); highest among the groups gnomAD compares: Non-Finnish European, 0.011%; no homozygotes.

Submission:

PreventionGenetics, part of Exact Sciences
Classification: Likely benign for KARS1-related condition. Last evaluated: 2019-03-01. Review status: no assertion criteria provided. Collection method: clinical testing. Allele origin: germline.
Comment: This variant is classified as likely benign based on ACMG/AMP sequence variant interpretation guidelines (Richards et al. 2015 PMID: 25741868, with internal and published modifications).

NM_005548.3(KARS1):c.63-2697G>A

Gene: KARS1 (lysyl-tRNA synthetase 1; minus strand). Cytogenetic location: 16q23.1.
Variant type: single nucleotide variant.
Coding change: c.63-2697G>A on transcript NM_005548.3 (MANE Select); 2697 bases into the intron before coding-DNA position 63, G replaced by A.
Molecular consequence: intron variant. On other transcripts: synonymous variant (1).
Genome position (GRCh38, 1-based): chr16:75,644,420, C>T on the plus strand (G>A on the coding strand, the complement: KARS1 is on the minus strand). VCF-style: chr16-75644420-C-T. GRCh37 (hg19) VCF-style: chr16-75678318-C-T.
Other names: c.9G>A, p.Thr3= (NM_001130089.2); c.-406-2697G>A (NM_001378148.1).
Identifiers: ClinVar variation 3047693 (VCV003047693.2), dbSNP rs563566087, ClinGen allele CA8177818.